The following is an entry in ClinVar:

ClinVar aggregate classification (germline): Benign. Review status: criteria provided, single submitter (1 of 4 stars). 2 submissions from 2 submitters: Benign (1). 1 of the submissions does not count toward it. Last evaluated 2019-12-31.

Conditions:
WIPI2-related disorder. Also called: WIPI2-related condition.

Allele frequency attached by ClinVar (database versions not stated): TOPMed 0.00165; 1000 Genomes Project 30x 0.00187; 1000 Genomes Project 0.00200; ESP Exome Variant Server 0.00215; gnomAD exomes 0.00385; ExAC 0.00407; gnomAD 0.00592.
gnomAD v4.1: 5,692 of 1,613,908 alleles (0.35%); highest among the groups gnomAD compares: Non-Finnish European, 0.34%; 26 homozygotes.

Submissions (2):

Labcorp Genetics (formerly Invitae), Labcorp
Classification: Benign. Last evaluated: 2019-12-31. Review status: criteria provided, single submitter. Criteria: Invitae Variant Classification Sherloc (09022015). Collection method: clinical testing. Allele origin: germline.

PreventionGenetics, part of Exact Sciences
Classification: Benign for WIPI2-related condition. Last evaluated: 2020-01-09. Review status: no assertion criteria provided. Collection method: clinical testing. Allele origin: germline. Not counted in ClinVar's aggregate classification.
Comment: This variant is classified as benign based on ACMG/AMP sequence variant interpretation guidelines (Richards et al. 2015 PMID: 25741868, with internal and published modifications).

NM_015610.4(WIPI2):c.382-9C>T

Gene: WIPI2 (WD repeat domain, phosphoinositide interacting 2; plus strand). Cytogenetic location: 7p22.1.
Variant type: single nucleotide variant.
Coding change: c.382-9C>T on transcript NM_015610.4 (MANE Select); 9 bases into the intron before coding-DNA position 382, C replaced by T.
Molecular consequence: intron variant.
Genome position (GRCh38, 1-based): chr7:5,216,554, C>T. VCF-style: chr7-5216554-C-T. GRCh37 (hg19) VCF-style: chr7-5256185-C-T.
Other names: c.-51-9C>T (NM_001278299.2); c.382-9C>T (NM_001033518.2, NM_015610.3); c.328-9C>T (NM_016003.4, NM_001033519.2); c.205-9C>T (NM_001033520.1).
Identifiers: ClinVar variation 710689 (VCV000710689.6), dbSNP rs191643610, ClinGen allele CA4141667.